The following is an entry in ClinVar:

ClinVar aggregate classification (germline): Likely pathogenic (1 of 4 stars; one submission).

Conditions:
Becker muscular dystrophy (BMD). Also called: MUSCULAR DYSTROPHY, PSEUDOHYPERTROPHIC PROGRESSIVE, BECKER TYPE; Becker Muscular Dystrophy (BMD). Identifiers: Orphanet 98895, MedGen C0917713, MONDO:0010311, OMIM 300376.

Submission:

Laboratory of Medical Genetics, National & Kapodistrian University of Athens
Classification: Likely pathogenic for Becker muscular dystrophy. Last evaluated: 2022-12-16. Review status: criteria provided, single submitter. Criteria: ACMG Guidelines, 2015. Collection method: clinical testing. Allele origin: germline. Affected: yes.
Comment: PVS1, PM2

NM_004006.3(DMD):c.10234del (p.Thr3411_Leu3412insTer)

Gene: DMD (dystrophin; minus strand). Cytogenetic location: Xp21.2.
Variant type: Deletion.
Coding change: c.10234del on transcript NM_004006.3 (MANE Select); coding-DNA position 10234, one base deleted (C; older notation c.10234delC).
Protein change: p.Thr3411_Leu3412insTer.
Molecular consequence: nonsense. On other transcripts: intron variant (5).
Genome position (GRCh38, 1-based): chrX:31,177,960, G deleted on the plus strand (C on the coding strand, the reverse complement: DMD is on the minus strand). VCF-style (leftmost placement, unchanged base first): chrX-31177959-AG-A. GRCh37 (hg19) VCF-style: chrX-31196076-AG-A.
Other names: c.10210del, p.Thr3403_Leu3404insTer (NM_000109.4); c.10222del, p.Thr3407_Leu3408insTer (NM_004009.3); c.9865del, p.Thr3288_Leu3289insTer (NM_004010.3); c.6211del, p.Thr2070_Leu2071insTer (NM_004011.4); c.6202del, p.Thr2067_Leu2068insTer (NM_004012.4); c.2854del, p.Thr951_Leu952insTer (NM_004013.3, NM_004021.3); c.2047del, p.Thr682_Leu683insTer (NM_004014.3); c.1030del, p.Thr343_Leu344insTer (NM_004015.3, NM_004016.3); and 2 more.
Identifiers: ClinVar variation 1806443 (VCV001806443.1), dbSNP rs2519910699, ClinGen allele CA2580100542.
Genomic context (GRCh38, chrX:31,177,959, plus strand): 5'-GTAGCAGCACCCTTCAGCAAAAAAAGTACTCACGCAGAATCTACTGGCCAGAAGTTGATC[AG>A]AGTAACGGGACTGCAAAACAAAAAATGAGGTGGTGAAGGAGACACACGCAAACTCAGCCG-3'